The following is an entry in ClinVar:

NM_024312.5(GNPTAB):c.3274_3276delinsCC (p.Thr1092fs)

Gene: GNPTAB (N-acetylglucosamine-1-phosphate transferase subunits alpha and beta; minus strand). Cytogenetic location: 12q23.2.
Variant type: Indel.
Coding change: c.3274_3276delinsCC on transcript NM_024312.5 (MANE Select); coding-DNA positions 3274 to 3276, ACA replaced by CC.
Protein change: p.Thr1092fs; shifts the reading frame from threonine 1092.
Molecular consequence: frameshift variant.
Genome position (GRCh38, 1-based): chr12:101,757,631-101,757,633, TGT replaced by GG on the plus strand (ACA replaced by CC on the coding strand, the reverse complement: GNPTAB is on the minus strand). VCF-style: chr12-101757631-TGT-GG. GRCh37 (hg19) VCF-style: chr12-102151409-TGT-GG.
Other names: short protein forms T1092fs.
Identifiers: ClinVar variation 5015522 (VCV005015522.1).

ClinVar aggregate classification (germline): Pathogenic (1 of 4 stars; one submission).

Conditions:
GNPTAB-mucolipidosis. Also called: UDP-N-acetylglucosamine-1-phosphotransferase subunit alpha/beta deficiency. Identifiers: MedGen CN322573, MONDO:0100122.

Submission:

Myriad Genetics, Inc.
Classification: Pathogenic for GNPTAB-mucolipidosis. Last evaluated: 2026-02-07. Review status: criteria provided, single submitter. Criteria: Myriad Autosomal Dominant, Autosomal Recessive and X-Linked Classification Criteria (2023). Collection method: clinical testing. Allele origin: unknown.
Comment: NM_024312.4(GNPTAB):c.3274_3276delACAinsCC(T1092Pfs*6) is expected to be pathogenic in the context of GNPTAB-related disorders. This variant is predicted to lead to an abnormal or absent protein product due to the creation of a premature termination codon in GNPTAB, a gene where loss-of-function variants are known to be pathogenic. Please note: this variant was assessed in the context of healthy population screening.